The following is an entry in ClinVar:

NM_001933.5(DLST):c.647G>T (p.Gly216Val)

Gene: DLST (dihydrolipoamide S-succinyltransferase; plus strand). Cytogenetic location: 14q24.3.
Variant type: single nucleotide variant.
Coding change: c.647G>T on transcript NM_001933.5 (MANE Select); coding-DNA position 647, G replaced by T.
Protein change: p.Gly216Val; replaces glycine 216 with valine.
Molecular consequence: missense variant. On other transcripts: non-coding transcript variant (2).
Genome position (GRCh38, 1-based): chr14:74,893,399, G>T. VCF-style: chr14-74893399-G-T. GRCh37 (hg19) VCF-style: chr14-75360102-G-T.
Other names: short protein forms G216V.
Identifiers: ClinVar variation 2517173 (VCV002517173.6), dbSNP rs199961137, ClinGen allele CA7273576.

ClinVar aggregate classification (germline): Uncertain significance. Review status: criteria provided, multiple submitters, no conflicts (2 of 4 stars). 3 submissions from 3 submitters: Uncertain significance (3). Last evaluated 2025-10-21.

Conditions:
Pheochromocytoma/paraganglioma syndrome 7. Also called: Paragangliomas 7. Identifiers: MedGen C5193116, MONDO:0032771, OMIM 618475.

Allele frequency attached by ClinVar (database versions not stated): ExAC 0.00010; TOPMed 0.00022; gnomAD 0.00025; ESP Exome Variant Server 0.00008; gnomAD exomes 0.00040.
gnomAD v4.1: 616 of 1,614,090 alleles (0.038%); highest among the groups gnomAD compares: Non-Finnish European, 0.048%; no homozygotes.

Submissions (3):

Labcorp Genetics (formerly Invitae), Labcorp
Classification: Uncertain significance. Last evaluated: 2025-10-21. Review status: criteria provided, single submitter. Criteria: Invitae Variant Classification Sherloc (09022015). Collection method: clinical testing. Allele origin: germline.
Comment: This sequence change replaces glycine, which is neutral and non-polar, with valine, which is neutral and non-polar, at codon 216 of the DLST protein (p.Gly216Val). This variant is present in population databases (rs199961137, gnomAD 0.03%). This variant has not been reported in the literature in individuals affected with DLST-related conditions. ClinVar contains an entry for this variant (Variation ID: 2517173). Invitae Evidence Modeling of protein sequence and biophysical properties (such as structural, functional, and spatial information, amino acid conservation, physicochemical variation, residue mobility, and thermodynamic stability) indicates that this missense variant is not expected to disrupt DLST protein function with a negative predictive value of 80%. In summary, the available evidence is currently insufficient to determine the role of this variant in disease. Therefore, it has been classified as a Variant of Uncertain Significance.

Ambry Genetics
Classification: Uncertain significance. Last evaluated: 2025-06-30. Review status: criteria provided, single submitter. Criteria: Ambry Variant Classification Scheme 2023. Collection method: clinical testing. Allele origin: germline.

Fulgent Genetics
Classification: Uncertain significance for Pheochromocytoma/paraganglioma syndrome 7. Last evaluated: 2024-06-16. Review status: criteria provided, single submitter. Criteria: ACMG Guidelines, 2015. Collection method: clinical testing. Allele origin: germline.